The following is an entry in ClinVar:

ClinVar aggregate classification (germline): Likely benign. Review status: criteria provided, single submitter (1 of 4 stars). 2 submissions from 2 submitters: Likely benign (1). 1 of the submissions does not count toward it. Last evaluated 2025-07-02.

Conditions:
KLHDC8B-related disorder. Also called: KLHDC8B-related condition.

Allele frequency attached by ClinVar (database versions not stated): ExAC 0.00001; gnomAD 0.00001; gnomAD exomes 0.00001; 1000 Genomes Project 30x 0.00016; 1000 Genomes Project 0.00020.
gnomAD v4.1: 12 of 1,613,914 alleles (0.00074%); highest among the groups gnomAD compares: Middle Eastern, 0.017%; no homozygotes.

Submissions (2):

Labcorp Genetics (formerly Invitae), Labcorp
Classification: Likely benign. Last evaluated: 2025-07-02. Review status: criteria provided, single submitter. Criteria: Invitae Variant Classification Sherloc (09022015). Collection method: clinical testing. Allele origin: germline.

PreventionGenetics, part of Exact Sciences
Classification: Likely benign for KLHDC8B-related condition. Last evaluated: 2020-10-09. Review status: no assertion criteria provided. Collection method: clinical testing. Allele origin: germline. Not counted in ClinVar's aggregate classification.
Comment: This variant is classified as likely benign based on ACMG/AMP sequence variant interpretation guidelines (Richards et al. 2015 PMID: 25741868, with internal and published modifications).

NM_173546.3(KLHDC8B):c.222G>A (p.Ala74=)

Gene: KLHDC8B (kelch domain containing 8B; plus strand). Cytogenetic location: 3p21.31.
Variant type: single nucleotide variant.
Coding change: c.222G>A on transcript NM_173546.3 (MANE Select); coding-DNA position 222, G replaced by A.
Protein change: p.Ala74=; no amino-acid change (alanine 74 retained).
Molecular consequence: synonymous variant.
Genome position (GRCh38, 1-based): chr3:49,172,991, G>A. VCF-style: chr3-49172991-G-A. GRCh37 (hg19) VCF-style: chr3-49210424-G-A.
Identifiers: ClinVar variation 3032566 (VCV003032566.3), dbSNP rs569675399, ClinGen allele CA2395449.